The following is an entry in ClinVar:

NM_031885.5(BBS2):c.1981C>G (p.Arg661Gly)

Gene: BBS2 (Bardet-Biedl syndrome 2; minus strand). Cytogenetic location: 16q13.
Variant type: single nucleotide variant.
Coding change: c.1981C>G on transcript NM_031885.5 (MANE Select); coding-DNA position 1981, C replaced by G.
Protein change: p.Arg661Gly; replaces arginine 661 with glycine.
Molecular consequence: missense variant. On other transcripts: non-coding transcript variant (5).
Genome position (GRCh38, 1-based): chr16:56,485,668, G>C on the plus strand (C>G on the coding strand, the complement: BBS2 is on the minus strand). VCF-style: chr16-56485668-G-C. GRCh37 (hg19) VCF-style: chr16-56519580-G-C.
Other names: c.1981C>G, p.Arg661Gly (NM_001377456.1); short protein forms R661G.
Identifiers: ClinVar variation 1993771 (VCV001993771.4), dbSNP rs766476238, ClinGen allele CA395973348.

ClinVar aggregate classification (germline): Uncertain significance (1 of 4 stars; one submission).

Conditions:
Bardet-Biedl syndrome (BBS). Identifiers: Orphanet 110, MedGen C0752166, MONDO:0015229.

Submission:

Labcorp Genetics (formerly Invitae), Labcorp
Classification: Uncertain significance for Bardet-Biedl syndrome. Last evaluated: 2023-12-11. Review status: criteria provided, single submitter. Criteria: Invitae Variant Classification Sherloc (09022015). Collection method: clinical testing. Allele origin: germline.
Comment: This sequence change replaces arginine, which is basic and polar, with glycine, which is neutral and non-polar, at codon 661 of the BBS2 protein (p.Arg661Gly). This variant is not present in population databases (gnomAD no frequency). This variant has not been reported in the literature in individuals affected with BBS2-related conditions. ClinVar contains an entry for this variant (Variation ID: 1993771). Advanced modeling of protein sequence and biophysical properties (such as structural, functional, and spatial information, amino acid conservation, physicochemical variation, residue mobility, and thermodynamic stability) performed at Invitae indicates that this missense variant is expected to disrupt BBS2 protein function with a positive predictive value of 80%. In summary, the available evidence is currently insufficient to determine the role of this variant in disease. Therefore, it has been classified as a Variant of Uncertain Significance.